The following is an entry in ClinVar:

NM_001283041.3(USP25):c.1797C>T (p.His599=)

Gene: USP25 (ubiquitin specific peptidase 25; plus strand). Cytogenetic location: 21q21.1.
Variant type: single nucleotide variant.
Coding change: c.1797C>T on transcript NM_001283041.3 (MANE Select); coding-DNA position 1797, C replaced by T.
Protein change: p.His599=; no amino-acid change (histidine 599 retained).
Molecular consequence: synonymous variant.
Genome position (GRCh38, 1-based): chr21:15,831,433, C>T. VCF-style: chr21-15831433-C-T. GRCh37 (hg19) VCF-style: chr21-17203752-C-T.
Other names: c.1797C>T, p.His599= (NM_001283042.3, NM_013396.6); c.1134C>T, p.His378= (NM_001352560.2, NM_001388299.1); c.585C>T, p.His195= (NM_001352561.2, NM_001388300.1, NM_001388301.1 and 1 more transcripts).
Identifiers: ClinVar variation 4821206 (VCV004821206.4).

ClinVar aggregate classification (germline): Likely benign (1 of 4 stars; one submission).

gnomAD v4.1: 85 of 1,613,924 alleles (0.0053%); highest among the groups gnomAD compares: Middle Eastern, 0.18%; no homozygotes.

Submission:

CeGaT Center for Human Genetics Tuebingen
Classification: Likely benign. Last evaluated: 2026-02-01. Review status: criteria provided, single submitter. Criteria: CeGaT Center For Human Genetics Tuebingen Variant Classification Criteria Version 2. Collection method: clinical testing. Allele origin: germline. Affected: yes. Observed: 1 variant allele.
Comment: USP25: BP4, BP7